The following is an entry in ClinVar:

NM_001918.5(DBT):c.772+1G>C

Gene: DBT (dihydrolipoamide branched chain transacylase E2; minus strand). Cytogenetic location: 1p21.2.
Variant type: single nucleotide variant.
Coding change: c.772+1G>C on transcript NM_001918.5 (MANE Select); the canonical splice donor site of the intron after coding-DNA position 772, G replaced by C.
Molecular consequence: splice donor variant.
Genome position (GRCh38, 1-based): chr1:100,215,982, C>G on the plus strand (G>C on the coding strand, the complement: DBT is on the minus strand). VCF-style: chr1-100215982-C-G. GRCh37 (hg19) VCF-style: chr1-100681538-C-G.
Other names: c.229+1G>C (NM_001399972.1, NM_001399969.1).
Identifiers: ClinVar variation 1492072 (VCV001492072.6), dbSNP rs2100799417, ClinGen allele CA341338130.

ClinVar aggregate classification (germline): Likely pathogenic (1 of 4 stars; one submission).

Conditions:
Maple syrup urine disease (MSUD). Identifiers: Orphanet 511, MedGen C0024776, MeSH D008375, MONDO:0009563. Disease mechanism: loss of function.

Submission:

Labcorp Genetics (formerly Invitae), Labcorp
Classification: Likely pathogenic for Maple syrup urine disease. Last evaluated: 2026-01-14. Review status: criteria provided, single submitter. Criteria: Invitae Variant Classification Sherloc (09022015). Collection method: clinical testing. Allele origin: germline.
Comment: This sequence change affects a donor splice site in intron 6 of the DBT gene. It is expected to disrupt RNA splicing. Variants that disrupt the donor or acceptor splice site typically lead to a loss of protein function (PMID: 16199547), and loss-of-function variants in DBT are known to be pathogenic (PMID: 16579849, 16786533). This variant is not present in population databases (gnomAD no frequency). This variant has not been reported in the literature in individuals affected with DBT-related conditions. ClinVar contains an entry for this variant (Variation ID: 1492072). Algorithms developed to predict the effect of sequence changes on RNA splicing suggest that this variant may disrupt the consensus splice site. In summary, the currently available evidence indicates that the variant is pathogenic, but additional data are needed to prove that conclusively. Therefore, this variant has been classified as Likely Pathogenic.

Literature cited by the submitters: PubMed 16199547; PubMed 16579849; PubMed 16786533.